The following is an entry in ClinVar:

NM_004370.6(COL12A1):c.512A>T (p.Asp171Val)

Gene: COL12A1 (collagen type XII alpha 1 chain; minus strand). Cytogenetic location: 6q13.
Variant type: single nucleotide variant.
Coding change: c.512A>T on transcript NM_004370.6 (MANE Select); coding-DNA position 512, A replaced by T.
Protein change: p.Asp171Val; replaces aspartic acid 171 with valine.
Molecular consequence: missense variant. On other transcripts: intron variant (1).
Genome position (GRCh38, 1-based): chr6:75,189,698, T>A on the plus strand (A>T on the coding strand, the complement: COL12A1 is on the minus strand). VCF-style: chr6-75189698-T-A. GRCh37 (hg19) VCF-style: chr6-75899414-T-A.
Other names: c.73+13022A>T (NM_080645.3); short protein forms D171V.
Identifiers: ClinVar variation 1055512 (VCV001055512.9), dbSNP rs2149475842, ClinGen allele CA364729227.

ClinVar aggregate classification (germline): Uncertain significance (1 of 4 stars; one submission).

Conditions:
Ullrich congenital muscular dystrophy 2 (UCMD2). Identifiers: Orphanet 75840, MedGen C4225314, MONDO:0014654, OMIM 616470.
Bethlem myopathy 2 (BTHLM2). Identifiers: Orphanet 536516, Orphanet 610, MedGen C4225313, MONDO:0034022, OMIM 616471.

Submission:

Labcorp Genetics (formerly Invitae), Labcorp
Classification: Uncertain significance for Bethlem myopathy 2; Ullrich congenital muscular dystrophy 2. Last evaluated: 2025-09-05. Review status: criteria provided, single submitter. Criteria: Invitae Variant Classification Sherloc (09022015). Collection method: clinical testing. Allele origin: germline.
Comment: This sequence change replaces aspartic acid, which is acidic and polar, with valine, which is neutral and non-polar, at codon 171 of the COL12A1 protein (p.Asp171Val). This variant is not present in population databases (gnomAD no frequency). This variant has not been reported in the literature in individuals affected with COL12A1-related conditions. ClinVar contains an entry for this variant (Variation ID: 1055512). Invitae Evidence Modeling of protein sequence and biophysical properties (such as structural, functional, and spatial information, amino acid conservation, physicochemical variation, residue mobility, and thermodynamic stability) has been performed for this missense variant. However, the output from this modeling did not meet the statistical confidence thresholds required to predict the impact of this variant on COL12A1 protein function. In summary, the available evidence is currently insufficient to determine the role of this variant in disease. Therefore, it has been classified as a Variant of Uncertain Significance.